The following is an entry in ClinVar:

ClinVar aggregate classification (germline): Uncertain significance (1 of 4 stars; one submission).

Conditions:
Cardiovascular phenotype. Identifiers: MedGen CN230736.

Submission:

Ambry Genetics
Classification: Uncertain significance for Cardiovascular phenotype. Last evaluated: 2020-06-12. Review status: criteria provided, single submitter. Criteria: Ambry Variant Classification Scheme 2023. Collection method: clinical testing. Allele origin: germline.
Comment: The p.V22253F variant (also known as c.66757G>T), located in coding exon 166 of the TTN gene, results from a G to T substitution at nucleotide position 66757. The valine at codon 22253 is replaced by phenylalanine, an amino acid with highly similar properties. This amino acid position is not well conserved in available vertebrate species. In addition, this alteration is predicted to be tolerated by in silico analysis. Since supporting evidence is limited at this time, the clinical significance of this alteration remains unclear.

NM_001267550.2(TTN):c.93952G>T (p.Val31318Phe)

Genes: TTN (titin; minus strand), TTN-AS1 (TTN antisense RNA 1; plus strand). Cytogenetic location: 2q31.2.
Variant type: single nucleotide variant.
Coding change: c.93952G>T on transcript NM_001267550.2 (MANE Select); coding-DNA position 93952, G replaced by T.
Protein change: p.Val31318Phe; replaces valine 31318 with phenylalanine.
Molecular consequence: missense variant.
Genome position (GRCh38, 1-based): chr2:178,547,674, C>A on the plus strand (G>T on the coding strand, the complement: TTN is on the minus strand). VCF-style: chr2-178547674-C-A. GRCh37 (hg19) VCF-style: chr2-179412401-C-A.
Other names: c.89029G>T, p.Val29677Phe (NM_001256850.1); c.66757G>T, p.Val22253Phe (NM_003319.4); c.86248G>T, p.Val28750Phe (NM_133378.4); c.67132G>T, p.Val22378Phe (NM_133432.3); c.67333G>T, p.Val22445Phe (NM_133437.4); short protein forms V28750F, V22253F, V29677F, V22378F, V22445F, V31318F.
Identifiers: ClinVar variation 1754813 (VCV001754813.2), dbSNP rs2469102653, ClinGen allele CA349479318.